The following is an entry in ClinVar:

NM_004525.3(LRP2):c.13963G>C (p.Val4655Leu)

Gene: LRP2 (LDL receptor related protein 2; minus strand). Cytogenetic location: 2q31.1.
Variant type: single nucleotide variant.
Coding change: c.13963G>C on transcript NM_004525.3 (MANE Select); coding-DNA position 13963, G replaced by C.
Protein change: p.Val4655Leu; replaces valine 4655 with leucine.
Molecular consequence: missense variant.
Genome position (GRCh38, 1-based): chr2:169,128,668, C>G on the plus strand (G>C on the coding strand, the complement: LRP2 is on the minus strand). VCF-style: chr2-169128668-C-G. GRCh37 (hg19) VCF-style: chr2-169985178-C-G.
Other names: c.13963G>C (NM_004525.2); short protein forms V4655L.
Identifiers: ClinVar variation 1900944 (VCV001900944.3), dbSNP rs141263543, ClinGen allele CA1952373.

ClinVar aggregate classification (germline): Uncertain significance. Review status: criteria provided, multiple submitters, no conflicts (2 of 4 stars). 2 submissions from 2 submitters: Uncertain significance (2). Last evaluated 2024-04-04.

Conditions:
Inborn genetic diseases. Identifiers: MedGen C0950123, MeSH D030342.

Allele frequency attached by ClinVar (database versions not stated): ExAC 0.00001; gnomAD exomes 0.00001; TOPMed 0.00003; gnomAD 0.00004; ESP Exome Variant Server 0.00008.
gnomAD v4.1: 18 of 1,613,832 alleles (0.0011%); highest among the groups gnomAD compares: Non-Finnish European, 0.0015%; no homozygotes.

Submissions (2):

Ambry Genetics
Classification: Uncertain significance for Inborn genetic diseases. Last evaluated: 2024-04-04. Review status: criteria provided, single submitter. Criteria: Ambry Variant Classification Scheme 2023. Collection method: clinical testing. Allele origin: germline.

Labcorp Genetics (formerly Invitae), Labcorp
Classification: Uncertain significance. Last evaluated: 2022-05-08. Review status: criteria provided, single submitter. Criteria: Invitae Variant Classification Sherloc (09022015). Collection method: clinical testing. Allele origin: germline.
Comment: This sequence change replaces valine, which is neutral and non-polar, with leucine, which is neutral and non-polar, at codon 4655 of the LRP2 protein (p.Val4655Leu). This variant is present in population databases (rs141263543, gnomAD 0.01%). This variant has not been reported in the literature in individuals affected with LRP2-related conditions. Advanced modeling of protein sequence and biophysical properties (such as structural, functional, and spatial information, amino acid conservation, physicochemical variation, residue mobility, and thermodynamic stability) performed at Invitae indicates that this missense variant is not expected to disrupt LRP2 protein function. In summary, the available evidence is currently insufficient to determine the role of this variant in disease. Therefore, it has been classified as a Variant of Uncertain Significance.